The following is an entry in ClinVar:

NM_144999.4(LRRC45):c.1382C>T (p.Ala461Val)

Gene: LRRC45 (leucine rich repeat containing 45; plus strand). Cytogenetic location: 17q25.3.
Variant type: single nucleotide variant.
Coding change: c.1382C>T on transcript NM_144999.4 (MANE Select); coding-DNA position 1382, C replaced by T.
Protein change: p.Ala461Val; replaces alanine 461 with valine.
Molecular consequence: missense variant.
Genome position (GRCh38, 1-based): chr17:82,029,166, C>T. VCF-style: chr17-82029166-C-T. GRCh37 (hg19) VCF-style: chr17-79987042-C-T.
Other names: short protein forms A461V.
Identifiers: ClinVar variation 4979120 (VCV004979120.1).

ClinVar aggregate classification (germline): Uncertain significance (1 of 4 stars; one submission).

Conditions:
LRRC45-related disorder. Also called: LRRC45-related condition.

gnomAD v4.1: 23 of 1,611,122 alleles (0.0014%); highest among the groups gnomAD compares: Middle Eastern, 0.035%; 1 homozygote.

Submission:

PreventionGenetics, part of Exact Sciences
Classification: Uncertain significance for LRRC45-related condition. Last evaluated: 2026-05-08. Review status: criteria provided, single submitter. Criteria: ACMG Guidelines, 2015. Collection method: clinical testing. Allele origin: germline.
Comment: The LRRC45 c.1382C>T variant is predicted to result in the amino acid substitution p.Ala461Val. To our knowledge, this variant has not been reported in the literature. This variant is reported in 0.0051% of alleles in individuals of East Asian descent in gnomAD. At this time, the clinical significance of this variant is uncertain due to the absence of conclusive functional and genetic evidence.